The following is an entry in ClinVar:

NM_144997.7(FLCN):c.1093_1113del (p.Ala365_Gly371del)

Gene: FLCN (folliculin; minus strand). Cytogenetic location: 17p11.2.
Variant type: Deletion.
Coding change: c.1093_1113del on transcript NM_144997.7 (MANE Select); coding-DNA positions 1093 to 1113, 21 bases deleted (GCCTGGCACGTTCTCATGGGG).
Protein change: p.Ala365_Gly371del.
Molecular consequence: inframe deletion.
Genome position (GRCh38, 1-based): chr17:17,217,132-17,217,152, CCCCATGAGAACGTGCCAGGC deleted on the plus strand (GCCTGGCACGTTCTCATGGGG on the coding strand, the reverse complement: FLCN is on the minus strand); deleting any 21 consecutive bases within chr17:17,217,132-17,217,153 gives the same sequence; the c. name uses the placement nearest the transcript's 3' end. VCF-style (leftmost placement, unchanged base first): chr17-17217131-TCCCCATGAGAACGTGCCAGGC-T. GRCh37 (hg19) VCF-style: chr17-17120445-TCCCCATGAGAACGTGCCAGGC-T.
Other names: c.1147_1167del, p.Ala383_Gly389del (NM_001353229.2); c.1093_1113del, p.Ala365_Gly371del (NM_001353230.2, NM_001353231.2).
Identifiers: ClinVar variation 1697665 (VCV001697665.9), dbSNP rs2144870247, ClinGen allele CA2580092729.

ClinVar aggregate classification (germline): Likely pathogenic. Review status: criteria provided, multiple submitters, no conflicts (2 of 4 stars). 2 submissions from 2 submitters: Likely pathogenic (2). Last evaluated 2026-02-10.

Conditions:
Birt-Hogg-Dube syndrome. Also called: Birt Hogg Dubé syndrome. Identifiers: Orphanet 122, MedGen C0346010, MONDO:0800444.

Submissions (2):

Department of Clinical Genetics, Copenhagen University Hospital, Rigshospitalet
Classification: Likely pathogenic for Birt-Hogg-Dube syndrome. Last evaluated: 2026-02-10. Review status: criteria provided, single submitter. Criteria: ACMG Guidelines, 2015. Collection method: clinical testing. Allele origin: germline.
Comment: The following ACMG criteria has been used: PM2_SUP; PP1; PS4

Center for Genomic Medicine, Rigshospitalet, Copenhagen University Hospital
Classification: Likely pathogenic. Last evaluated: 2025-12-29. Review status: criteria provided, single submitter. Criteria: ACMG Guidelines, 2015. Collection method: clinical testing. Allele origin: germline.

Literature cited by the submitters: PubMed 27734835 (cited by Department of Clinical Genetics, Copenhagen University Hospital, Rigshospitalet and Center for Genomic Medicine, Rigshospitalet, Copenhagen University Hospital).